The following is an entry in ClinVar:

NM_005869.4(CWC27):c.921G>A (p.Lys307=)

Gene: CWC27 (CWC27 spliceosome associated cyclophilin; plus strand). Cytogenetic location: 5q12.3.
Variant type: single nucleotide variant.
Coding change: c.921G>A on transcript NM_005869.4 (MANE Select); coding-DNA position 921, G replaced by A.
Protein change: p.Lys307=; no amino-acid change (lysine 307 retained).
Molecular consequence: synonymous variant.
Genome position (GRCh38, 1-based): chr5:64,804,369, G>A. VCF-style: chr5-64804369-G-A. GRCh37 (hg19) VCF-style: chr5-64100196-G-A.
Other names: c.921G>A, p.Lys307= (NM_001297644.1, NM_001297645.2, NM_001318000.2 and 1 more transcripts).
Identifiers: ClinVar variation 4983707 (VCV004983707.1).

ClinVar aggregate classification (germline): Likely benign (1 of 4 stars; one submission).

Conditions:
CWC27-related disorder. Also called: CWC27-related condition.

Submission:

PreventionGenetics, part of Exact Sciences
Classification: Likely benign for CWC27-related condition. Last evaluated: 2024-11-03. Review status: criteria provided, single submitter. Criteria: ACMG Guidelines, 2015. Collection method: clinical testing. Allele origin: germline.
Comment: This variant is classified as likely benign based on ACMG/AMP sequence variant interpretation guidelines (Richards et al. 2015 PMID: 25741868, with internal and published modifications).